The following is an entry in ClinVar:

NM_006059.4(LAMC3):c.1693C>A (p.Pro565Thr)

Genes: LAMC3 (laminin subunit gamma 3; plus strand), LOC126860777 (BRD4-independent group 4 enhancer GRCh37_chr9:133927058-133928257; plus strand). Cytogenetic location: 9q34.12.
Variant type: single nucleotide variant.
Coding change: c.1693C>A on transcript NM_006059.4 (MANE Select); coding-DNA position 1693, C replaced by A.
Protein change: p.Pro565Thr; replaces proline 565 with threonine.
Molecular consequence: missense variant.
Genome position (GRCh38, 1-based): chr9:131,052,553, C>A. VCF-style: chr9-131052553-C-A. GRCh37 (hg19) VCF-style: chr9-133927940-C-A.
Other names: short protein forms P565T.
Identifiers: ClinVar variation 1960495 (VCV001960495.4), dbSNP rs779180808, ClinGen allele CA375263895.

ClinVar aggregate classification (germline): Uncertain significance (1 of 4 stars; one submission).

Submission:

Labcorp Genetics (formerly Invitae), Labcorp
Classification: Uncertain significance. Last evaluated: 2022-11-28. Review status: criteria provided, single submitter. Criteria: Invitae Variant Classification Sherloc (09022015). Collection method: clinical testing. Allele origin: germline.
Comment: This sequence change replaces proline, which is neutral and non-polar, with threonine, which is neutral and polar, at codon 565 of the LAMC3 protein (p.Pro565Thr). This variant is not present in population databases (gnomAD no frequency). This variant has not been reported in the literature in individuals affected with LAMC3-related conditions. Algorithms developed to predict the effect of missense changes on protein structure and function are either unavailable or do not agree on the potential impact of this missense change (SIFT: "Tolerated"; PolyPhen-2: "Possibly Damaging"; Align-GVGD: "Class C0"). In summary, the available evidence is currently insufficient to determine the role of this variant in disease. Therefore, it has been classified as a Variant of Uncertain Significance.